The following is an entry in ClinVar:

ClinVar aggregate classification (germline): Uncertain significance (1 of 4 stars; one submission).

Conditions:
Anterior segment dysgenesis. Also called: Ocular anterior segment dysgenesis. Identifiers: Orphanet 88632, MedGen C1862839, MONDO:0019503, HP:0007700.
Congenital primary aphakia. Also called: Anterior segment dysgenesis 2, multiple subtypes; ANTERIOR SEGMENT DYSGENESIS 2. Identifiers: Orphanet 83461, MedGen C1853230, MONDO:0012456, OMIM 610256.

gnomAD v4.1: 1 of 1,610,634 alleles (0.000062%); highest among the groups gnomAD compares: East Asian, 0.0022%; no homozygotes.

Submission:

Labcorp Genetics (formerly Invitae), Labcorp
Classification: Uncertain significance for Anterior segment dysgenesis; Congenital primary aphakia. Last evaluated: 2025-03-10. Review status: criteria provided, single submitter. Criteria: Invitae Variant Classification Sherloc (09022015). Collection method: clinical testing. Allele origin: germline.
Comment: This sequence change affects codon 107 of the FOXE3 mRNA. It is a 'silent' change, meaning that it does not change the encoded amino acid sequence of the FOXE3 protein. This variant is not present in population databases (gnomAD no frequency). This variant has not been reported in the literature in individuals affected with FOXE3-related conditions. In summary, the available evidence is currently insufficient to determine the role of this variant in disease. Therefore, it has been classified as a Variant of Uncertain Significance.

NM_012186.3(FOXE3):c.321C>T (p.Phe107=)

Genes: FOXE3 (forkhead box E3; plus strand), LINC01389 (long independently transcribed non-coding RNA 1389; minus strand). Cytogenetic location: 1p33.
Variant type: single nucleotide variant.
Coding change: c.321C>T on transcript NM_012186.3 (MANE Select); coding-DNA position 321, C replaced by T.
Protein change: p.Phe107=; no amino-acid change (phenylalanine 107 retained).
Molecular consequence: synonymous variant.
Genome position (GRCh38, 1-based): chr1:47,416,636, C>T. VCF-style: chr1-47416636-C-T. GRCh37 (hg19) VCF-style: chr1-47882308-C-T.
Identifiers: ClinVar variation 4794320 (VCV004794320.1).